The following is an entry in ClinVar:

ClinVar aggregate classification (germline): Uncertain significance (1 of 4 stars; one submission).

Allele frequency attached by ClinVar (database versions not stated): gnomAD exomes 0.00001.
gnomAD v4.1: 10 of 1,614,094 alleles (0.00062%); highest among the groups gnomAD compares: Non-Finnish European, 0.00068%; no homozygotes.

Submission:

Labcorp Genetics (formerly Invitae), Labcorp
Classification: Uncertain significance. Last evaluated: 2025-07-02. Review status: criteria provided, single submitter. Criteria: Invitae Variant Classification Sherloc (09022015). Collection method: clinical testing. Allele origin: germline.
Comment: This sequence change replaces glycine, which is neutral and non-polar, with glutamic acid, which is acidic and polar, at codon 863 of the FLNB protein (p.Gly863Glu). This variant is present in population databases (no rsID available, gnomAD 0.002%). This variant has not been reported in the literature in individuals affected with FLNB-related conditions. ClinVar contains an entry for this variant (Variation ID: 1720760). Invitae Evidence Modeling of protein sequence and biophysical properties (such as structural, functional, and spatial information, amino acid conservation, physicochemical variation, residue mobility, and thermodynamic stability) indicates that this missense variant is not expected to disrupt FLNB protein function with a negative predictive value of 95%. In summary, the available evidence is currently insufficient to determine the role of this variant in disease. Therefore, it has been classified as a Variant of Uncertain Significance.

NM_001457.4(FLNB):c.2588G>A (p.Gly863Glu)

Gene: FLNB (filamin B; plus strand). Cytogenetic location: 3p14.3.
Variant type: single nucleotide variant.
Coding change: c.2588G>A on transcript NM_001457.4 (MANE Select); coding-DNA position 2588, G replaced by A.
Protein change: p.Gly863Glu; replaces glycine 863 with glutamic acid.
Molecular consequence: missense variant.
Genome position (GRCh38, 1-based): chr3:58,112,161, G>A. VCF-style: chr3-58112161-G-A. GRCh37 (hg19) VCF-style: chr3-58097888-G-A.
Other names: c.2588G>A, p.Gly863Glu (NM_001164317.2, NM_001164318.2, NM_001164319.2); short protein forms G863E.
Identifiers: ClinVar variation 1720760 (VCV001720760.5), dbSNP rs550824256, ClinGen allele CA353345764.